The following is an entry in ClinVar:

NM_020376.4(PNPLA2):c.284G>A (p.Arg95His)

Gene: PNPLA2 (patatin like domain 2, triacylglycerol lipase; plus strand). Cytogenetic location: 11p15.5.
Variant type: single nucleotide variant.
Coding change: c.284G>A on transcript NM_020376.4 (MANE Select); coding-DNA position 284, G replaced by A.
Protein change: p.Arg95His; replaces arginine 95 with histidine.
Molecular consequence: missense variant.
Genome position (GRCh38, 1-based): chr11:821,724, G>A. VCF-style: chr11-821724-G-A. GRCh37 (hg19) VCF-style: chr11-821724-G-A.
Other names: short protein forms R95H.
Identifiers: ClinVar variation 1378517 (VCV001378517.6), dbSNP rs1845669885, ClinGen allele CA378978199.

ClinVar aggregate classification (germline): Uncertain significance. Review status: criteria provided, multiple submitters, no conflicts (2 of 4 stars). 2 submissions from 2 submitters: Uncertain significance (2). Last evaluated 2022-07-05.

Conditions:
Neutral lipid storage myopathy (NLSDM). Also called: NEUTRAL LIPID STORAGE DISEASE WITHOUT ICHTHYOSIS. Identifiers: Orphanet 98908, MedGen C1853136, MONDO:0012545, OMIM 610717.

Allele frequency attached by ClinVar (database versions not stated): gnomAD exomes below 0.00001; gnomAD 0.00002 and 0.00003.
gnomAD v4.1: 9 of 1,613,962 alleles (0.00056%); highest among the groups gnomAD compares: African/African-American, 0.004%; no homozygotes.

Submissions (2):

Labcorp Genetics (formerly Invitae), Labcorp
Classification: Uncertain significance for Neutral lipid storage myopathy. Last evaluated: 2022-07-05. Review status: criteria provided, single submitter. Criteria: Invitae Variant Classification Sherloc (09022015). Collection method: clinical testing. Allele origin: germline.
Comment: This sequence change replaces arginine, which is basic and polar, with histidine, which is basic and polar, at codon 95 of the PNPLA2 protein (p.Arg95His). This variant is not present in population databases (gnomAD no frequency). This variant has not been reported in the literature in individuals affected with PNPLA2-related conditions. ClinVar contains an entry for this variant (Variation ID: 1378517). Algorithms developed to predict the effect of missense changes on protein structure and function are either unavailable or do not agree on the potential impact of this missense change (SIFT: "Deleterious"; PolyPhen-2: "Probably Damaging"; Align-GVGD: "Class C0"). In summary, the available evidence is currently insufficient to determine the role of this variant in disease. Therefore, it has been classified as a Variant of Uncertain Significance.

Breakthrough Genomics
Classification: Uncertain significance. Review status: criteria provided, single submitter. Criteria: ACMG Guidelines, 2015. Collection method: not provided. Allele origin: germline. Inheritance: Autosomal recessive inheritance. Affected: yes.